The following is an entry in ClinVar:

ClinVar aggregate classification (germline): Conflicting classifications of pathogenicity. Review status: criteria provided, conflicting classifications (1 of 4 stars). 9 submissions from 9 submitters: Uncertain significance (2); Benign (1); Likely benign (5). 1 of the submissions does not count toward it. Last evaluated 2026-02-02.

Conditions:
CC2D2A-related disorder. Also called: CC2D2A-related condition; CC2D2A-related disorders. Identifiers: MedGen CN239313.
Meckel-Gruber syndrome. Also called: Dysencephalia splachnocystica; DYSENCEPHALIA SPLANCHNOCYSTICA; GRUBER SYNDROME. Identifiers: Orphanet 564, MedGen C0265215, MONDO:0018921.
Joubert syndrome. Also called: JOUBERT-BOLTSHAUSER SYNDROME; Familial aplasia of the vermis. Identifiers: Orphanet 475, MedGen C5979921, MONDO:0018772.
Congenital heart disease (CHD). Identifiers: MedGen C0152021, MONDO:0005453. Disease mechanism: unknown.

Allele frequency attached by ClinVar (database versions not stated): gnomAD 0.00089 and 0.00096; ESP Exome Variant Server 0.00100; gnomAD exomes 0.00052; ExAC 0.00073; TOPMed 0.00087; 1000 Genomes Project 0.00180; 1000 Genomes Project 30x 0.00203.
gnomAD v4.1: 508 of 1,612,700 alleles (0.031%); highest among the groups gnomAD compares: African/African-American, 0.25%; 2 homozygotes.

Submissions (9):

Labcorp Genetics (formerly Invitae), Labcorp
Classification: Likely benign for Joubert syndrome; Meckel-Gruber syndrome. Last evaluated: 2026-02-02. Review status: criteria provided, single submitter. Criteria: Invitae Variant Classification Sherloc (09022015). Collection method: clinical testing. Allele origin: germline.

Mayo Clinic Laboratories, Mayo Clinic
Classification: Uncertain significance. Last evaluated: 2025-10-30. Review status: criteria provided, single submitter. Criteria: ACMG Guidelines, 2015. Collection method: clinical testing. Allele origin: germline. Observed: 2 variant alleles.
Comment: BP4_moderate, PM2_supporting

Blueprint Genetics
Classification: Benign. Last evaluated: 2024-09-30. Review status: criteria provided, single submitter. Criteria: ACMG Guidelines, 2015. Collection method: clinical testing. Allele origin: germline.

CeGaT Center for Human Genetics Tuebingen
Classification: Likely benign. Last evaluated: 2024-02-01. Review status: criteria provided, single submitter. Criteria: CeGaT Center For Human Genetics Tuebingen Variant Classification Criteria Version 2. Collection method: clinical testing. Allele origin: germline. Affected: yes. Observed: 1 variant allele.
Comment: CC2D2A: BP4, BS1

Women's Health and Genetics/Laboratory Corporation of America, LabCorp
Classification: Uncertain significance. Last evaluated: 2022-11-27. Review status: criteria provided, single submitter. Criteria: LabCorp Variant Classification Summary - May 2015. Collection method: clinical testing. Allele origin: germline.
Comment: Variant summary: CC2D2A c.1162G>A (p.Val388Ile) results in a conservative amino acid change in the encoded protein sequence. Five of five in-silico tools predict a benign effect of the variant on protein function. The variant allele was found at a frequency of 0.00056 in 278974 control chromosomes (gnomAD), predominantly at a frequency of 0.0027 within the African or African-American subpopulation in the gnomAD database. To our knowledge, no occurrence of c.1162G>A in individuals affected with CC2D2A-Related Disorders and no experimental evidence demonstrating its impact on protein function have been reported. Three ClinVar submitters have assessed the variant since 2014 without evidence for independent evaluation: all three classified the variant as likely benign. Based on the evidence outlined above, the variant was classified as uncertain significance.

GeneDx
Classification: Likely benign. Last evaluated: 2021-05-27. Review status: criteria provided, single submitter. Criteria: GeneDx Variant Classification Process June 2021. Collection method: clinical testing. Allele origin: germline. Affected: yes.

Cambridge Genomics Laboratory, East Genomic Laboratory Hub, NHS Genomic Medicine Service
Classification: Likely benign for Congenital heart disease. Last evaluated: 2019-12-13. Review status: criteria provided, single submitter. Criteria: ACGS Best Practice Guidelines for Variant Classification in Rare Disease 2020. Collection method: clinical testing. Allele origin: germline. Affected: yes. Observed: 1 variant allele.

Eurofins Ntd Llc (ga)
Classification: Likely benign. Last evaluated: 2017-01-11. Review status: criteria provided, single submitter. Criteria: EGL Classification Definitions 2015. Collection method: clinical testing. Allele origin: germline. Observed: 1 variant allele, 1 heterozygote.

PreventionGenetics, part of Exact Sciences
Classification: Likely benign for CC2D2A-related condition. Last evaluated: 2022-05-21. Review status: no assertion criteria provided. Collection method: clinical testing. Allele origin: germline. Not counted in ClinVar's aggregate classification.
Comment: This variant is classified as likely benign based on ACMG/AMP sequence variant interpretation guidelines (Richards et al. 2015 PMID: 25741868, with internal and published modifications).

NM_001378615.1(CC2D2A):c.1162G>A (p.Val388Ile)

Genes: CC2D2A (coiled-coil and C2 domain containing 2A; plus strand), FBXL5 (F-box and leucine rich repeat protein 5; minus strand). Cytogenetic location: 4p15.32.
Variant type: single nucleotide variant.
Coding change: c.1162G>A on transcript NM_001378615.1 (MANE Select); coding-DNA position 1162, G replaced by A.
Protein change: p.Val388Ile; replaces valine 388 with isoleucine.
Molecular consequence: missense variant.
Genome position (GRCh38, 1-based): chr4:15,527,459, G>A. VCF-style: chr4-15527459-G-A. GRCh37 (hg19) VCF-style: chr4-15529082-G-A.
Other names: p.Val388Ile; c.1162G>A, p.Val388Ile (NM_001080522.2); c.1015G>A, p.Val339Ile (NM_001378617.1); short protein forms V388I, V339I.
Identifiers: ClinVar variation 499831 (VCV000499831.43), dbSNP rs115924432, ClinGen allele CA2863609.